The following is an entry in ClinVar:

NM_002430.3(MN1):c.2756C>G (p.Ser919Cys)

Gene: MN1 (MN1 proto-oncogene, transcriptional regulator; minus strand). Cytogenetic location: 22q12.1.
Variant type: single nucleotide variant.
Coding change: c.2756C>G on transcript NM_002430.3 (MANE Select); coding-DNA position 2756, C replaced by G.
Protein change: p.Ser919Cys; replaces serine 919 with cysteine.
Molecular consequence: missense variant.
Genome position (GRCh38, 1-based): chr22:27,797,788, G>C on the plus strand (C>G on the coding strand, the complement: MN1 is on the minus strand). VCF-style: chr22-27797788-G-C. GRCh37 (hg19) VCF-style: chr22-28193776-G-C.
Other names: short protein forms S919C.
Identifiers: ClinVar variation 4883788 (VCV004883788.2).

ClinVar aggregate classification (germline): Uncertain significance (1 of 4 stars; one submission).

Submission:

Dasa
Classification: Uncertain significance. Last evaluated: 2025-04-09. Review status: criteria provided, single submitter. Criteria: DASA Assertion Criteria. Collection method: clinical testing. Allele origin: germline.
Comment: NM_002430.3(MN1):c.2756C>G (p.Ser919Cys) is a missense variant that results in the substitution of serine with cysteine. This variant is absent from population databases. Computational prediction algorithms are consistent with a benign effect. The currently available literature and clinical evidence are not sufficient to establish a definitive association between this variant and the reported condition. Therefore, this variant is classified as a variant of uncertain significance.